The following is an entry in ClinVar:

ClinVar aggregate classification (germline): Uncertain significance (1 of 4 stars; one submission).

Submission:

CeGaT Center for Human Genetics Tuebingen
Classification: Uncertain significance. Last evaluated: 2023-02-01. Review status: criteria provided, single submitter. Criteria: CeGaT Center For Human Genetics Tuebingen Variant Classification Criteria Version 2. Collection method: clinical testing. Allele origin: germline. Affected: yes. Observed: 1 variant allele.
Comment: MYH14: PM4

NM_001145809.2(MYH14):c.5991_5992insCACCACCTGGCGCGCACG (p.Thr1997_Val1998insHisHisLeuAlaArgThr)

Gene: MYH14 (myosin heavy chain 14; plus strand). Cytogenetic location: 19q13.33.
Variant type: Microsatellite.
Coding change: c.5991_5992insCACCACCTGGCGCGCACG on transcript NM_001145809.2 (MANE Select); coding-DNA positions 5991 to 5992, CACCACCTGGCGCGCACG inserted.
Protein change: p.Thr1997_Val1998insHisHisLeuAlaArgThr.
Molecular consequence: inframe insertion.
Genome position: GRCh38 VCF-style: chr19-50309664-C-CCGCACGCACCACCTGGCG. GRCh37 (hg19) VCF-style: chr19-50812921-C-CCGCACGCACCACCTGGCG.
Other names: c.5892_5893insCACCACCTGGCGCGCACG, p.Thr1964_Val1965insHisHisLeuAlaArgThr (NM_001077186.2); c.5868_5869insCACCACCTGGCGCGCACG, p.Thr1956_Val1957insHisHisLeuAlaArgThr (NM_024729.4).
Identifiers: ClinVar variation 2650317 (VCV002650317.24), dbSNP rs1568564328.